The following is an entry in ClinVar:

NM_021096.4(CACNA1I):c.2902-3del

Gene: CACNA1I (calcium voltage-gated channel subunit alpha1 I; plus strand). Cytogenetic location: 22q13.1.
Variant type: Deletion.
Coding change: c.2902-3del on transcript NM_021096.4 (MANE Select); 3 bases into the intron before coding-DNA position 2902, one base deleted (C; older notation c.2902-3delC).
Molecular consequence: intron variant.
Genome position (GRCh38, 1-based): chr22:39,661,962, C deleted; the last of 2 consecutive C bases (chr22:39,661,961-39,661,962); deleting either gives the same sequence. VCF-style (leftmost placement, unchanged base first): chr22-39661960-TC-T. GRCh37 (hg19) VCF-style: chr22-40057965-TC-T.
Other names: c.2797-3del (NM_001003406.2).
Identifiers: ClinVar variation 5037397 (VCV005037397.1).

ClinVar aggregate classification (germline): Uncertain significance (1 of 4 stars; one submission).

Submission:

GeneDx
Classification: Uncertain significance. Last evaluated: 2026-04-17. Review status: criteria provided, single submitter. Criteria: GeneDx Variant Classification Process June 2021. Collection method: clinical testing. Allele origin: germline.
Comment: Not observed at significant frequency in large population cohorts (gnomAD); In silico analysis is inconclusive as to whether the variant alters gene splicing. In the absence of RNA/functional studies, the actual effect of this sequence change is unknown.; Has not been previously published as pathogenic or benign to our knowledge